The following is an entry in ClinVar:

NM_024753.5(TTC21B):c.3767T>C (p.Met1256Thr)

Gene: TTC21B (tetratricopeptide repeat domain 21B; minus strand). Cytogenetic location: 2q24.3.
Variant type: single nucleotide variant.
Coding change: c.3767T>C on transcript NM_024753.5 (MANE Select); coding-DNA position 3767, T replaced by C.
Protein change: p.Met1256Thr; replaces methionine 1256 with threonine.
Molecular consequence: missense variant.
Genome position (GRCh38, 1-based): chr2:165,880,717, A>G on the plus strand (T>C on the coding strand, the complement: TTC21B is on the minus strand). VCF-style: chr2-165880717-A-G. GRCh37 (hg19) VCF-style: chr2-166737227-A-G.
Other names: short protein forms M1256T.
Identifiers: ClinVar variation 1473334 (VCV001473334.6), dbSNP rs2105281020, ClinGen allele CA349045802.

ClinVar aggregate classification (germline): Uncertain significance (1 of 4 stars; one submission).

Conditions:
Jeune thoracic dystrophy. Also called: Short-rib thoracic dysplasia; Jeune syndrome; Infantile thoracic dystrophy; Thoracic pelvic phalangeal dystrophy; Jeune's syndrome; Chondroectodermal dysplasia-like syndrome. Identifiers: Orphanet 474, MedGen C0265275, MONDO:0018770.
Nephronophthisis. Also called: Juvenile Nephronophthisis. Identifiers: Orphanet 655, MedGen C0687120, MONDO:0019005, HP:0000090.

Allele frequency attached by ClinVar (database versions not stated): gnomAD exomes 0.00001.

Submission:

Labcorp Genetics (formerly Invitae), Labcorp
Classification: Uncertain significance for Jeune thoracic dystrophy; Nephronophthisis. Last evaluated: 2022-09-07. Review status: criteria provided, single submitter. Criteria: Invitae Variant Classification Sherloc (09022015). Collection method: clinical testing. Allele origin: germline.
Comment: This sequence change replaces methionine, which is neutral and non-polar, with threonine, which is neutral and polar, at codon 1256 of the TTC21B protein (p.Met1256Thr). In summary, the available evidence is currently insufficient to determine the role of this variant in disease. Therefore, it has been classified as a Variant of Uncertain Significance. Algorithms developed to predict the effect of missense changes on protein structure and function (SIFT, PolyPhen-2, Align-GVGD) all suggest that this variant is likely to be tolerated. ClinVar contains an entry for this variant (Variation ID: 1473334). This variant has not been reported in the literature in individuals affected with TTC21B-related conditions. This variant is not present in population databases (gnomAD no frequency).